The following is an entry in ClinVar:

ClinVar aggregate classification (germline): Benign/Likely benign. Review status: criteria provided, multiple submitters, no conflicts (2 of 4 stars). 12 submissions from 12 submitters: Benign (4); Likely benign (4). 4 of the submissions do not count toward it. Last evaluated 2026-02-04.

Conditions:
Hereditary cancer-predisposing syndrome. Also called: Hereditary Cancer Syndrome; Hereditary neoplastic syndrome; Tumor predisposition; Neoplastic Syndromes, Hereditary. Identifiers: Orphanet 140162, MedGen C0027672, MeSH D009386, MONDO:0015356.
Colorectal cancer, susceptibility to, 12 (CRCS12). Also called: COLORECTAL CANCER, SUSCEPTIBILITY TO, ON CHROMOSOME 12q24. Identifiers: Orphanet 220460, MedGen C3554460, MONDO:0014038, OMIM 615083.

Submissions (12):

Labcorp Genetics (formerly Invitae), Labcorp
Classification: Benign. Last evaluated: 2026-02-04. Review status: criteria provided, single submitter. Criteria: Invitae Variant Classification Sherloc (09022015). Collection method: clinical testing. Allele origin: germline.

Center for Genomic Medicine, Rigshospitalet, Copenhagen University Hospital
Classification: Likely benign. Last evaluated: 2025-03-04. Review status: criteria provided, single submitter. Criteria: ACMG Guidelines, 2015. Collection method: clinical testing. Allele origin: germline.

Blueprint Genetics
Classification: Likely benign. Last evaluated: 2024-11-26. Review status: criteria provided, single submitter. Criteria: ACMG Guidelines, 2015. Collection method: clinical testing. Allele origin: germline.

ARUP Laboratories, Molecular Genetics and Genomics, ARUP Laboratories
Classification: Benign. Last evaluated: 2024-04-10. Review status: criteria provided, single submitter. Criteria: ARUP Molecular Germline Variant Investigation Process 2024. Collection method: clinical testing. Allele origin: germline.

Hereditary Cancer Laboratory, Hospital Universitario 12 de Octubre
Classification: Likely benign for Hereditary cancer-predisposing syndrome. Last evaluated: 2020-04-22. Review status: criteria provided, single submitter. Criteria: ACMG Guidelines, 2015. Collection method: clinical testing. Allele origin: germline.
Comment: BA1

GeneDx
Classification: Benign. Last evaluated: 2017-05-23. Review status: criteria provided, single submitter. Criteria: GeneDx Variant Classification (06012015). Collection method: clinical testing. Allele origin: germline. Affected: yes.
Comment: This variant is considered likely benign or benign based on one or more of the following criteria: it is a conservative change, it occurs at a poorly conserved position in the protein, it is predicted to be benign by multiple in silico algorithms, and/or has population frequency not consistent with disease.

PreventionGenetics, part of Exact Sciences
Classification: Benign. Last evaluated: 2017-02-20. Review status: criteria provided, single submitter. Criteria: ACMG Guidelines, 2015. Collection method: clinical testing. Allele origin: germline.

Ambry Genetics
Classification: Likely benign for Hereditary cancer-predisposing syndrome. Last evaluated: 2015-08-12. Review status: criteria provided, single submitter. Criteria: Ambry Variant Classification Scheme 2023. Collection method: clinical testing. Allele origin: germline.

Counsyl
Classification: Likely benign for Colorectal cancer, susceptibility to, 12. Last evaluated: 2016-07-05. Review status: no assertion criteria provided. Collection method: clinical testing. Allele origin: unknown. Not counted in ClinVar's aggregate classification.

Clinical Genetics, Academic Medical Center
Classification: Benign. Review status: no assertion criteria provided. Collection method: clinical testing. Allele origin: germline. Affected: yes. Study: VKGL Data-share Consensus. Not counted in ClinVar's aggregate classification.

Diagnostic Laboratory, Department of Genetics, University Medical Center Groningen
Classification: Likely benign. Review status: no assertion criteria provided. Collection method: clinical testing. Allele origin: germline. Affected: yes. Study: VKGL Data-share Consensus. Not counted in ClinVar's aggregate classification.

Genome Diagnostics Laboratory, Amsterdam University Medical Center
Classification: Benign. Review status: no assertion criteria provided. Collection method: clinical testing. Allele origin: germline. Affected: yes. Study: VKGL Data-share Consensus. Not counted in ClinVar's aggregate classification.

NM_006231.4(POLE):c.4952+17_4952+19dup

Gene: POLE (DNA polymerase epsilon, catalytic subunit; minus strand). Cytogenetic location: 12q24.33.
Variant type: Duplication.
Coding change: c.4952+17_4952+19dup on transcript NM_006231.4 (MANE Select); bases 17 to 19 of the intron after coding-DNA position 4952, 3 bases duplicated (CGT; older notation c.4952+17_4952+19dupCGT).
Molecular consequence: intron variant.
Genome position (GRCh38, 1-based): chr12:132,642,487-132,642,489, ACG duplicated on the plus strand (CGT on the coding strand, the reverse complement: POLE is on the minus strand); duplicating any 3 consecutive bases within chr12:132,642,487-132,642,491 gives the same sequence; the c. name uses the placement nearest the transcript's 3' end. VCF-style (leftmost placement, unchanged base first): chr12-132642486-A-AACG. GRCh37 (hg19) VCF-style: chr12-133219072-A-AACG.
Other names: c.4952+17_4952+19dupCGT (NM_006231.2, NM_006231.4).
Identifiers: ClinVar variation 371873 (VCV000371873.39), dbSNP rs571641918, ClinGen allele CA6892670.